The following is an entry in ClinVar:

NM_000551.4(VHL):c.*7C>A

Genes: VHL (von Hippel-Lindau tumor suppressor; plus strand), LOC107303340 (3p25 von Hippel-Lindau tumor suppressor, E3 ubiquitin protein ligase Alu-mediated recombination region; plus strand). Cytogenetic location: 3p25.3.
Variant type: single nucleotide variant.
Coding change: c.*7C>A on transcript NM_000551.4 (MANE Select); 7 bases downstream of the stop codon, C replaced by A.
Molecular consequence: 3 prime UTR variant.
Genome position (GRCh38, 1-based): chr3:10,149,972, C>A. VCF-style: chr3-10149972-C-A. GRCh37 (hg19) VCF-style: chr3-10191656-C-A.
Other names: c.*203C>A (NM_001354723.2); c.*7C>A (NM_198156.3).
Identifiers: ClinVar variation 380289 (VCV000380289.8), dbSNP rs778005138, ClinGen allele CA042089.

ClinVar aggregate classification (germline): Conflicting classifications of pathogenicity. Review status: criteria provided, conflicting classifications (1 of 4 stars). 5 submissions from 5 submitters: Uncertain significance (2); Benign (1); Likely benign (1). 1 of the submissions does not count toward it. Last evaluated 2025-06-13.

Conditions:
VHL-related disorder. Also called: VHL-related condition.
Von Hippel-Lindau syndrome (VHLS). Also called: Von Hippel-Lindau; VHL syndrome; von Hippel–Lindau syndrome. Identifiers: Orphanet 892, MedGen C0019562, MONDO:0008667, OMIM 193300. Disease mechanism: loss of function.

Allele frequency attached by ClinVar (database versions not stated): ExAC 0.00001; gnomAD exomes 0.00001; TOPMed 0.00002.
gnomAD v4.1: 30 of 1,611,826 alleles (0.0019%); highest among the groups gnomAD compares: East Asian, 0.0022%; no homozygotes.

Submissions (5):

Myriad Genetics, Inc.
Classification: Benign for Von Hippel-Lindau syndrome. Last evaluated: 2025-06-13. Review status: criteria provided, single submitter. Criteria: Myriad Autosomal Dominant, Autosomal Recessive and X-Linked Classification Criteria (2023). Collection method: clinical testing. Allele origin: unknown.
Comment: This variant is considered benign. This variant occurs in the non-coding 3' untranslated region of the gene, and is not expected to impact protein function.

Quest Diagnostics Nichols Institute San Juan Capistrano
Classification: Uncertain significance. Last evaluated: 2024-10-10. Review status: criteria provided, single submitter. Criteria: Quest Diagnostics criteria. Collection method: clinical testing. Allele origin: unknown.
Comment: The VHL c.*7C>A variant has not been reported in individuals with VHL-related conditions in the published literature. The frequency of this variant in the general population, 0.000014 (4/278346 chromosomes (Genome Aggregation Database)), is uninformative in the assessment of its pathogenicity. Analysis of this variant using software algorithms for the prediction of the effect of nucleotide changes on splicing yielded predictions that this variant does not affect VHL mRNA splicing. Based on the available information, we are unable to determine the clinical significance of this variant.

Molecular Pathology, Peter Maccallum Cancer Centre
Classification: Uncertain significance for Von Hippel-Lindau syndrome. Last evaluated: 2024-05-27. Review status: criteria provided, single submitter. Criteria: ACMG Guidelines, 2015. Collection method: clinical testing. Allele origin: germline. Inheritance: Autosomal dominant inheritance.

GeneDx
Classification: Likely benign. Last evaluated: 2023-11-01. Review status: criteria provided, single submitter. Criteria: GeneDx Variant Classification Process June 2021. Collection method: clinical testing. Allele origin: germline. Affected: yes.
Comment: See Variant Classification Assertion Criteria.

PreventionGenetics, part of Exact Sciences
Classification: Likely benign for VHL-related condition. Last evaluated: 2024-03-20. Review status: no assertion criteria provided. Collection method: clinical testing. Allele origin: germline. Not counted in ClinVar's aggregate classification.
Comment: This variant is classified as likely benign based on ACMG/AMP sequence variant interpretation guidelines (Richards et al. 2015 PMID: 25741868, with internal and published modifications).

Literature cited by the submitters: PubMed 38969834 (cited by Quest Diagnostics Nichols Institute San Juan Capistrano); PubMed 38332991 (cited by Quest Diagnostics Nichols Institute San Juan Capistrano).